The following is an entry in ClinVar:

NM_005142.3(CBLIF):c.1067T>C (p.Met356Thr)

Gene: CBLIF (cobalamin binding intrinsic factor; minus strand). Cytogenetic location: 11q12.1.
Variant type: single nucleotide variant.
Coding change: c.1067T>C on transcript NM_005142.3 (MANE Select); coding-DNA position 1067, T replaced by C.
Protein change: p.Met356Thr; replaces methionine 356 with threonine.
Molecular consequence: missense variant.
Genome position (GRCh38, 1-based): chr11:59,835,814, A>G on the plus strand (T>C on the coding strand, the complement: CBLIF is on the minus strand). VCF-style: chr11-59835814-A-G. GRCh37 (hg19) VCF-style: chr11-59603287-A-G.
Other names: short protein forms M356T.
Identifiers: ClinVar variation 1903922 (VCV001903922.5), dbSNP rs771204721, ClinGen allele CA6021419.
Genomic context (GRCh38, chr11:59,835,814, plus strand): 5'-TGGGAATTCAGATCAGGCCTTGAGAGAATGATGAATGACATTTGTAATACTCACTTGAAC[A>G]TAGGATTTTTGCGCTGTGCTTCCTCTAGGACAACAAGTAACACTGACCCACTTTTCACAC-3'
Protein context (NP_005133.2, residues 346-366): VLEEAQRKNP[Met356Thr]FKFETTMTSW

ClinVar aggregate classification (germline): Uncertain significance (1 of 4 stars; one submission).

Conditions:
Hereditary intrinsic factor deficiency (IFD). Also called: PERNICIOUS ANEMIA, CONGENITAL, DUE TO DEFECT OF INTRINSIC FACTOR; Congenital intrinsic factor deficiency. Identifiers: Orphanet 332, MedGen C2062370, MONDO:0009852, OMIM 261000.

Allele frequency attached by ClinVar (database versions not stated): gnomAD exomes below 0.00001; ExAC 0.00001.
gnomAD v4.1: 3 of 1,609,568 alleles (0.00019%); highest among the groups gnomAD compares: East Asian, 0.0022%; no homozygotes.

Submission:

Labcorp Genetics (formerly Invitae), Labcorp
Classification: Uncertain significance for Hereditary intrinsic factor deficiency. Last evaluated: 2025-11-10. Review status: criteria provided, single submitter. Criteria: Invitae Variant Classification Sherloc (09022015). Collection method: clinical testing. Allele origin: germline.
Comment: This sequence change replaces methionine, which is neutral and non-polar, with threonine, which is neutral and polar, at codon 356 of the GIF protein (p.Met356Thr). This variant is present in population databases (rs771204721, gnomAD 0.006%). This variant has not been reported in the literature in individuals affected with GIF-related conditions. ClinVar contains an entry for this variant (Variation ID: 1903922). Invitae Evidence Modeling of protein sequence and biophysical properties (such as structural, functional, and spatial information, amino acid conservation, physicochemical variation, residue mobility, and thermodynamic stability) indicates that this missense variant is not expected to disrupt GIF protein function with a negative predictive value of 80%. In summary, the available evidence is currently insufficient to determine the role of this variant in disease. Therefore, it has been classified as a Variant of Uncertain Significance.